The following is an entry in ClinVar:

NM_003070.5(SMARCA2):c.762G>A (p.Pro254=)

Gene: SMARCA2 (SWI/SNF related BAF chromatin remodeling complex subunit ATPase 2; plus strand). Cytogenetic location: 9p24.3.
Variant type: single nucleotide variant.
Coding change: c.762G>A on transcript NM_003070.5 (MANE Select); coding-DNA position 762, G replaced by A.
Protein change: p.Pro254=; no amino-acid change (proline 254 retained).
Molecular consequence: synonymous variant.
Genome position (GRCh38, 1-based): chr9:2,039,872, G>A. VCF-style: chr9-2039872-G-A. GRCh37 (hg19) VCF-style: chr9-2039872-G-A.
Other names: c.762G>A, p.Pro254= (NM_139045.4, NM_001289396.2, NM_001289397.2).
Identifiers: ClinVar variation 3037019 (VCV003037019.3), dbSNP rs781034714, ClinGen allele CA4962997.

ClinVar aggregate classification (germline): Likely benign. Review status: criteria provided, single submitter (1 of 4 stars). 2 submissions from 2 submitters: Likely benign (1). 1 of the submissions does not count toward it. Last evaluated 2024-09-30.

Conditions:
SMARCA2-related disorder. Also called: SMARCA2-related condition.

Allele frequency attached by ClinVar (database versions not stated): TOPMed 0.00001; ExAC 0.00003; gnomAD 0.00003; gnomAD exomes 0.00003.
gnomAD v4.1: 48 of 1,613,740 alleles (0.003%); highest among the groups gnomAD compares: Middle Eastern, 0.016%; no homozygotes.

Submissions (2):

Blueprint Genetics
Classification: Likely benign. Last evaluated: 2024-09-30. Review status: criteria provided, single submitter. Criteria: ACMG Guidelines, 2015. Collection method: clinical testing. Allele origin: germline.

PreventionGenetics, part of Exact Sciences
Classification: Likely benign for SMARCA2-related condition. Last evaluated: 2019-04-05. Review status: no assertion criteria provided. Collection method: clinical testing. Allele origin: germline. Not counted in ClinVar's aggregate classification.
Comment: This variant is classified as likely benign based on ACMG/AMP sequence variant interpretation guidelines (Richards et al. 2015 PMID: 25741868, with internal and published modifications).